The following is an entry in ClinVar:

NM_144670.6(A2ML1):c.216G>A (p.Lys72=)

Genes: A2ML1 (alpha-2-macroglobulin like 1; plus strand), A2ML1-AS1 (A2ML1 antisense RNA 1; minus strand). Cytogenetic location: 12p13.31.
Variant type: single nucleotide variant.
Coding change: c.216G>A on transcript NM_144670.6 (MANE Select); coding-DNA position 216, G replaced by A.
Protein change: p.Lys72=; no amino-acid change (lysine 72 retained).
Molecular consequence: synonymous variant.
Genome position (GRCh38, 1-based): chr12:8,823,335, G>A. VCF-style: chr12-8823335-G-A. GRCh37 (hg19) VCF-style: chr12-8975931-G-A.
Other names: c.216G>A (NM_144670.5).
Identifiers: ClinVar variation 1152801 (VCV001152801.13), dbSNP rs747225412, ClinGen allele CA6435191.

ClinVar aggregate classification (germline): Likely benign. Review status: criteria provided, multiple submitters, no conflicts (2 of 4 stars). 3 submissions from 3 submitters: Likely benign (2). 1 of the submissions does not count toward it. Last evaluated 2024-12-04.

Conditions:
A2ML1-related disorder. Also called: A2ML1-related condition.

Allele frequency attached by ClinVar (database versions not stated): gnomAD 0.00002 and 0.00003; TOPMed 0.00003; ExAC 0.00007.
gnomAD v4.1: 76 of 1,613,884 alleles (0.0047%); highest among the groups gnomAD compares: Admixed American, 0.032%; no homozygotes.

Submissions (3):

Labcorp Genetics (formerly Invitae), Labcorp
Classification: Likely benign. Last evaluated: 2024-12-04. Review status: criteria provided, single submitter. Criteria: Invitae Variant Classification Sherloc (09022015). Collection method: clinical testing. Allele origin: germline.

Ambry Genetics
Classification: Likely benign. Last evaluated: 2022-02-08. Review status: criteria provided, single submitter. Criteria: Ambry Variant Classification Scheme 2023. Collection method: clinical testing. Allele origin: germline.

PreventionGenetics, part of Exact Sciences
Classification: Likely benign for A2ML1-related condition. Last evaluated: 2021-05-04. Review status: no assertion criteria provided. Collection method: clinical testing. Allele origin: germline. Not counted in ClinVar's aggregate classification.
Comment: This variant is classified as likely benign based on ACMG/AMP sequence variant interpretation guidelines (Richards et al. 2015 PMID: 25741868, with internal and published modifications).